The following is an entry in ClinVar:

NM_006265.3(RAD21):c.381C>A (p.Ile127=)

Gene: RAD21 (RAD21 cohesin complex component; minus strand). Cytogenetic location: 8q24.11.
Variant type: single nucleotide variant.
Coding change: c.381C>A on transcript NM_006265.3 (MANE Select); coding-DNA position 381, C replaced by A.
Protein change: p.Ile127=; no amino-acid change (isoleucine 127 retained).
Molecular consequence: synonymous variant.
Genome position (GRCh38, 1-based): chr8:116,858,452, G>T on the plus strand (C>A on the coding strand, the complement: RAD21 is on the minus strand). VCF-style: chr8-116858452-G-T. GRCh37 (hg19) VCF-style: chr8-117870691-G-T.
Identifiers: ClinVar variation 3667262 (VCV003667262.2).

ClinVar aggregate classification (germline): Uncertain significance (1 of 4 stars; one submission).

Conditions:
Cornelia de Lange syndrome 4 (CDLS4). Also called: RAD21-Related Cornelia de Lange Syndrome; CORNELIA DE LANGE SYNDROME 4 WITH OR WITHOUT MIDLINE BRAIN DEFECTS. Identifiers: Orphanet 199, MedGen C3553517, MONDO:0013864, OMIM 614701.

Submission:

Labcorp Genetics (formerly Invitae), Labcorp
Classification: Uncertain significance for Cornelia de Lange syndrome 4. Last evaluated: 2025-12-26. Review status: criteria provided, single submitter. Criteria: Invitae Variant Classification Sherloc (09022015). Collection method: clinical testing. Allele origin: germline.
Comment: This sequence change affects codon 127 of the RAD21 mRNA. It is a 'silent' change, meaning that it does not change the encoded amino acid sequence of the RAD21 protein. This variant is present in population databases (rs778317165, gnomAD 0.02%). This variant has not been reported in the literature in individuals affected with RAD21-related conditions. ClinVar contains an entry for this variant (Variation ID: 3667262). Algorithms developed to predict the effect of sequence changes on RNA splicing suggest that this variant may disrupt the consensus splice site. In summary, the available evidence is currently insufficient to determine the role of this variant in disease. Therefore, it has been classified as a Variant of Uncertain Significance.